The following is an entry in ClinVar:

ClinVar aggregate classification (germline): Likely benign. Review status: criteria provided, multiple submitters, no conflicts (2 of 4 stars). 7 submissions from 7 submitters: Likely benign (7). Last evaluated 2025-05-30.

Conditions:
Hypertrophic cardiomyopathy. Also called: HYPERTROPHIC MYOCARDIOPATHY. Identifiers: Orphanet 217569, MedGen C0007194, MeSH D002312, MONDO:0005045, HP:0001639.
Cardiovascular phenotype. Identifiers: MedGen CN230736.
Cardiomyopathy (CMYO). Also called: Cardiomyopathies. Identifiers: Orphanet 167848, MedGen C0878544, MONDO:0004994, HP:0001638. Inheritance: Various modes of inheritance.

Allele frequency attached by ClinVar (database versions not stated): gnomAD 0.00001; gnomAD exomes 0.00001 and 0.00003; TOPMed 0.00002.
gnomAD v4.1: 44 of 1,586,658 alleles (0.0028%); highest among the groups gnomAD compares: Non-Finnish European, 0.0037%; no homozygotes.

Submissions (7):

Labcorp Genetics (formerly Invitae), Labcorp
Classification: Likely benign for Hypertrophic cardiomyopathy. Last evaluated: 2025-05-30. Review status: criteria provided, single submitter. Criteria: Invitae Variant Classification Sherloc (09022015). Collection method: clinical testing. Allele origin: germline.

Women's Health and Genetics/Laboratory Corporation of America, LabCorp
Classification: Likely benign. Last evaluated: 2024-10-27. Review status: criteria provided, single submitter. Criteria: LabCorp Variant Classification Summary - May 2015. Collection method: clinical testing. Allele origin: germline.

Ambry Genetics
Classification: Likely benign for Cardiovascular phenotype. Last evaluated: 2024-08-12. Review status: criteria provided, single submitter. Criteria: Ambry Variant Classification Scheme 2023. Collection method: clinical testing. Allele origin: germline.

All of Us Research Program, National Institutes of Health
Classification: Likely benign for Hypertrophic cardiomyopathy. Last evaluated: 2023-08-15. Review status: criteria provided, single submitter. Criteria: ACMG Guidelines, 2015. Collection method: clinical testing. Allele origin: germline. Inheritance: Autosomal dominant inheritance. Observed: 3 variant alleles, 3 heterozygotes.
Comment: This study involves interpretation of variants in research participants for the purpose of population health screening. Participant phenotype was not available at the time of variant classification. Additional details can be found in publication PMID: 35346344, PMCID: PMC8962531

Blueprint Genetics
Classification: Likely benign. Last evaluated: 2019-12-02. Review status: criteria provided, single submitter. Criteria: ACMG Guidelines, 2015. Collection method: clinical testing. Allele origin: germline.

Color Diagnostics, LLC DBA Color Health
Classification: Likely benign for Cardiomyopathy. Last evaluated: 2019-07-26. Review status: criteria provided, single submitter. Criteria: ACMG Guidelines, 2015. Collection method: clinical testing. Allele origin: germline.

GeneDx
Classification: Likely benign. Last evaluated: 2018-02-20. Review status: criteria provided, single submitter. Criteria: GeneDx Variant Classification (06012015). Collection method: clinical testing. Allele origin: germline. Affected: yes.
Comment: This variant is considered likely benign or benign based on one or more of the following criteria: it is a conservative change, it occurs at a poorly conserved position in the protein, it is predicted to be benign by multiple in silico algorithms, and/or has population frequency not consistent with disease.

NM_000256.3(MYBPC3):c.3264A>G (p.Pro1088=)

Gene: MYBPC3 (myosin binding protein C3; minus strand). Cytogenetic location: 11p11.2.
Variant type: single nucleotide variant.
Coding change: c.3264A>G on transcript NM_000256.3 (MANE Select); coding-DNA position 3264, A replaced by G.
Protein change: p.Pro1088=; no amino-acid change (proline 1088 retained).
Molecular consequence: synonymous variant.
Genome position (GRCh38, 1-based): chr11:47,333,260, T>C on the plus strand (A>G on the coding strand, the complement: MYBPC3 is on the minus strand). VCF-style: chr11-47333260-T-C. GRCh37 (hg19) VCF-style: chr11-47354811-T-C.
Other names: c.3264A>G, p.Pro1088= (LRG_386t1).
Identifiers: ClinVar variation 515571 (VCV000515571.14), dbSNP rs758229677, ClinGen allele CA221682508.